The following is an entry in ClinVar:

ClinVar aggregate classification (germline): Uncertain significance (1 of 4 stars; one submission).

Conditions:
Familial cold autoinflammatory syndrome 2 (FCAS2). Identifiers: Orphanet 247868, MedGen C2673198, MONDO:0012724, OMIM 611762.

Allele frequency attached by ClinVar (database versions not stated): gnomAD 0.00003; TOPMed 0.00005; 1000 Genomes Project 30x 0.00031.
gnomAD v4.1: 10 of 1,614,124 alleles (0.00062%); highest among the groups gnomAD compares: African/African-American, 0.011%; no homozygotes.

Submission:

Labcorp Genetics (formerly Invitae), Labcorp
Classification: Uncertain significance for Familial cold autoinflammatory syndrome 2. Last evaluated: 2022-12-21. Review status: criteria provided, single submitter. Criteria: Invitae Variant Classification Sherloc (09022015). Collection method: clinical testing. Allele origin: germline.
Comment: In summary, the available evidence is currently insufficient to determine the role of this variant in disease. Therefore, it has been classified as a Variant of Uncertain Significance. ClinVar contains an entry for this variant (Variation ID: 1046197). This variant has not been reported in the literature in individuals affected with NLRP12-related conditions. The frequency data for this variant in the population databases is considered unreliable, as metrics indicate poor data quality at this position in the gnomAD database. This sequence change creates a premature translational stop signal (p.Trp594*) in the NLRP12 gene. It is expected to result in an absent or disrupted protein product. However, the current clinical and genetic evidence is not sufficient to establish whether loss-of-function variants in NLRP12 cause disease.

NM_144687.4(NLRP12):c.1782G>A (p.Trp594Ter)

Gene: NLRP12 (NLR family pyrin domain containing 12; minus strand). Cytogenetic location: 19q13.42.
Variant type: single nucleotide variant.
Coding change: c.1782G>A on transcript NM_144687.4 (MANE Select); coding-DNA position 1782, G replaced by A.
Protein change: p.Trp594Ter; replaces tryptophan 594 with a stop codon.
Molecular consequence: nonsense.
Genome position (GRCh38, 1-based): chr19:53,809,877, C>T on the plus strand (G>A on the coding strand, the complement: NLRP12 is on the minus strand). VCF-style: chr19-53809877-C-T. GRCh37 (hg19) VCF-style: chr19-54313131-C-T.
Other names: c.1782G>A, p.Trp594Ter (NM_001277126.2, NM_001277129.1); short protein forms W594*.
Identifiers: ClinVar variation 1046197 (VCV001046197.7), dbSNP rs953567955, ClinGen allele CA310068693.